The following is an entry in ClinVar:

NM_000388.4(CASR):c.554G>T (p.Arg185Leu)

Gene: CASR (calcium sensing receptor; plus strand). Cytogenetic location: 3q21.1.
Variant type: single nucleotide variant.
Coding change: c.554G>T on transcript NM_000388.4 (MANE Select); coding-DNA position 554, G replaced by T.
Protein change: p.Arg185Leu; replaces arginine 185 with leucine.
Molecular consequence: missense variant.
Genome position (GRCh38, 1-based): chr3:122,261,589, G>T. VCF-style: chr3-122261589-G-T. GRCh37 (hg19) VCF-style: chr3-121980436-G-T.
Other names: p.Arg185Leu; c.554G>T, p.Arg185Leu (NM_001178065.2); short protein forms R185L.
Identifiers: ClinVar variation 1172871 (VCV001172871.6), dbSNP rs104893689, ClinGen allele CA354150837.

ClinVar aggregate classification (germline): Conflicting classifications of pathogenicity. Review status: criteria provided, conflicting classifications (1 of 4 stars). 3 submissions from 3 submitters: Likely pathogenic (1); Uncertain significance (2). Last evaluated 2025-03-18.

Conditions:
Familial hypocalciuric hypercalcemia (FHH). Also called: Familial benign hypercalcemia. Identifiers: Orphanet 405, MedGen C1809471, MONDO:0018458.
Autosomal dominant hypocalcemia 1 (HYPOC1). Also called: HYPOCALCEMIA, FAMILIAL. Identifiers: MedGen C3715128, MONDO:0011013, OMIM 601198.

Submissions (3):

Mayo Clinic Laboratories, Mayo Clinic
Classification: Likely pathogenic. Last evaluated: 2025-03-18. Review status: criteria provided, single submitter. Criteria: ACMG Guidelines, 2015. Collection method: clinical testing. Allele origin: germline. Observed: 3 variant alleles.
Comment: PP2, PP3_strong, PM1, PM2_supporting, PM5

Labcorp Genetics (formerly Invitae), Labcorp
Classification: Uncertain significance for Familial hypocalciuric hypercalcemia; Autosomal dominant hypocalcemia 1. Last evaluated: 2024-08-14. Review status: criteria provided, single submitter. Criteria: Invitae Variant Classification Sherloc (09022015). Collection method: clinical testing. Allele origin: germline.
Comment: This sequence change replaces arginine, which is basic and polar, with leucine, which is neutral and non-polar, at codon 185 of the CASR protein (p.Arg185Leu). This variant is not present in population databases (gnomAD no frequency). This variant has not been reported in the literature in individuals affected with CASR-related conditions. ClinVar contains an entry for this variant (Variation ID: 1172871). An algorithm developed to predict the effect of missense changes on protein structure and function (PolyPhen-2) suggests that this variant is likely to be disruptive. This variant disrupts the p.Arg185 amino acid residue in CASR. Other variant(s) that disrupt this residue have been determined to be pathogenic (PMID: 7916660, 12095982, 17284438, 22798347). This suggests that this residue is clinically significant, and that variants that disrupt this residue are likely to be disease-causing. In summary, the available evidence is currently insufficient to determine the role of this variant in disease. Therefore, it has been classified as a Variant of Uncertain Significance.

Women's Health and Genetics/Laboratory Corporation of America, LabCorp
Classification: Uncertain significance. Last evaluated: 2021-06-11. Review status: criteria provided, single submitter. Criteria: LabCorp Variant Classification Summary - May 2015. Collection method: clinical testing. Allele origin: germline.
Comment: Variant summary: CASR c.554G>T (p.Arg185Leu) results in a non-conservative amino acid change located in the Receptor, ligand binding region domain (IPR001828) of the encoded protein sequence. Five of five in-silico tools predict a damaging effect of the variant on protein function. The variant was absent in 251248 control chromosomes. The available data on variant occurrences in the general population are insufficient to allow any conclusion about variant significance. To our knowledge, no occurrence of c.554G>T in individuals affected with Autosomal Dominant Hypocalcemia and no experimental evidence demonstrating its impact on protein function have been reported. No clinical diagnostic laboratories have submitted clinical-significance assessments for this variant to ClinVar after 2014. Based on the evidence outlined above, the variant was classified as uncertain significance.

Literature cited by the submitters: PubMed 22422767 (cited by Mayo Clinic Laboratories, Mayo Clinic); PubMed 7916660 (cited by Labcorp Genetics (formerly Invitae), Labcorp); PubMed 12095982 (cited by Labcorp Genetics (formerly Invitae), Labcorp); PubMed 17284438 (cited by Labcorp Genetics (formerly Invitae), Labcorp); PubMed 22798347 (cited by Labcorp Genetics (formerly Invitae), Labcorp).